The following is an entry in ClinVar:

NM_170606.3(KMT2C):c.2182_2183delinsCC (p.Glu728Pro)

Gene: KMT2C (lysine methyltransferase 2C; minus strand). Cytogenetic location: 7q36.1.
Variant type: Indel.
Coding change: c.2182_2183delinsCC on transcript NM_170606.3 (MANE Select); coding-DNA positions 2182 to 2183, GA replaced by CC.
Protein change: p.Glu728Pro; replaces glutamic acid 728 with proline.
Molecular consequence: missense variant.
Genome position (GRCh38, 1-based): chr7:152,248,251-152,248,252, TC replaced by GG on the plus strand (GA replaced by CC on the coding strand, the reverse complement: KMT2C is on the minus strand). VCF-style: chr7-152248251-TC-GG. GRCh37 (hg19) VCF-style: chr7-151945336-TC-GG.
Other names: short protein forms E728P.
Identifiers: ClinVar variation 3027444 (VCV003027444.1), dbSNP rs2485836819, ClinGen allele CA2740094955.

ClinVar aggregate classification (germline): Uncertain significance (1 of 4 stars; one submission).

Conditions:
Kleefstra syndrome 2 (KLEFS2). Identifiers: MedGen C4540395, MONDO:0054701, OMIM 617768.

Submission:

Human Genetics Bochum, Ruhr University Bochum
Classification: Uncertain significance for Kleefstra syndrome 2. Last evaluated: 2023-08-30. Review status: criteria provided, single submitter. Criteria: ACMG Guidelines, 2015. Collection method: clinical testing. Allele origin: germline. Affected: yes.
Comment: ACMG criteria used to clasify this variant: PM2_SUP, PP3